The following is an entry in ClinVar:

ClinVar aggregate classification (germline): Pathogenic (1 of 4 stars; one submission).

Conditions:
Congenital heart defects, dysmorphic facial features, and intellectual developmental disorder (CHDFIDD). Identifiers: Orphanet 646278, MedGen C4479246, MONDO:0044302, OMIM 617360.

Submission:

Women's Health and Genetics/Laboratory Corporation of America, LabCorp
Classification: Pathogenic for Congenital heart defects, dysmorphic facial features, and intellectual developmental disorder. Last evaluated: 2024-01-12. Review status: criteria provided, single submitter. Criteria: LabCorp Variant Classification Summary - May 2015. Collection method: clinical testing. Allele origin: germline.
Comment: Variant summary: CDK13 c.930C>G (p.Tyr310X) results in a premature termination codon, predicted to cause absence of the protein due to nonsense mediated decay, which is a commonly known mechanism for disease. The variant was absent in 126140 control chromosomes. To our knowledge, no occurrence of c.930C>G in individuals affected with Congenital Heart Defects, Dysmorphic Facial Features, And Intellectual Developmental Disorder and no experimental evidence demonstrating its impact on protein function have been reported. No submitters have cited clinical-significance assessments for this variant to ClinVar. Based on the evidence outlined above, the variant was classified as pathogenic.

NM_003718.5(CDK13):c.930C>G (p.Tyr310Ter)

Gene: CDK13 (cyclin dependent kinase 13; plus strand). Cytogenetic location: 7p14.1.
Variant type: single nucleotide variant.
Coding change: c.930C>G on transcript NM_003718.5 (MANE Select); coding-DNA position 930, C replaced by G.
Protein change: p.Tyr310Ter; replaces tyrosine 310 with a stop codon.
Molecular consequence: nonsense.
Genome position (GRCh38, 1-based): chr7:39,951,571, C>G. VCF-style: chr7-39951571-C-G. GRCh37 (hg19) VCF-style: chr7-39991170-C-G.
Other names: c.930C>G, p.Tyr310Ter (NM_031267.4); short protein forms Y310*.
Identifiers: ClinVar variation 3063884 (VCV003063884.1), dbSNP rs11548117, ClinGen allele CA367310917.